The following is an entry in ClinVar:

NM_001036.6(RYR3):c.4735G>A (p.Ala1579Thr)

Gene: RYR3 (ryanodine receptor 3; plus strand). Cytogenetic location: 15q14.
Variant type: single nucleotide variant.
Coding change: c.4735G>A on transcript NM_001036.6 (MANE Select); coding-DNA position 4735, G replaced by A.
Protein change: p.Ala1579Thr; replaces alanine 1579 with threonine.
Molecular consequence: missense variant.
Genome position (GRCh38, 1-based): chr15:33,662,265, G>A. VCF-style: chr15-33662265-G-A. GRCh37 (hg19) VCF-style: chr15-33954466-G-A.
Other names: c.4735G>A, p.Ala1579Thr (NM_001243996.4); c.4735G>A (NM_001036.3); short protein forms A1579T.
Identifiers: ClinVar variation 962069 (VCV000962069.11), dbSNP rs202160360, ClinGen allele CA7459103.

ClinVar aggregate classification (germline): Uncertain significance. Review status: criteria provided, multiple submitters, no conflicts (2 of 4 stars). 2 submissions from 2 submitters: Uncertain significance (2). Last evaluated 2021-08-30.

Conditions:
Epileptic encephalopathy. Identifiers: MedGen C0543888, HP:0200134.

Allele frequency attached by ClinVar (database versions not stated): TOPMed 0.00013; 1000 Genomes Project 30x 0.00016; ESP Exome Variant Server 0.00016; 1000 Genomes Project 0.00020.
gnomAD v4.1: 32 of 1,610,376 alleles (0.002%); highest among the groups gnomAD compares: African/African-American, 0.033%; no homozygotes.

Submissions (2):

Ambry Genetics
Classification: Uncertain significance. Last evaluated: 2021-08-30. Review status: criteria provided, single submitter. Criteria: Ambry Variant Classification Scheme 2023. Collection method: clinical testing. Allele origin: germline.

Labcorp Genetics (formerly Invitae), Labcorp
Classification: Uncertain significance for Epileptic encephalopathy. Last evaluated: 2019-07-30. Review status: criteria provided, single submitter. Criteria: Invitae Variant Classification Sherloc (09022015). Collection method: clinical testing. Allele origin: germline.
Comment: In summary, the available evidence is currently insufficient to determine the role of this variant in disease. Therefore, it has been classified as a Variant of Uncertain Significance. Algorithms developed to predict the effect of missense changes on protein structure and function are either unavailable or do not agree on the potential impact of this missense change (SIFT: "Deleterious"; PolyPhen-2: "Probably Damaging"; Align-GVGD: "Class C0"). This variant has not been reported in the literature in individuals with RYR3-related conditions. This variant is present in population databases (rs202160360, ExAC 0.06%). This sequence change replaces alanine with threonine at codon 1579 of the RYR3 protein (p.Ala1579Thr). The alanine residue is highly conserved and there is a small physicochemical difference between alanine and threonine.